The following is an entry in ClinVar:

ClinVar aggregate classification (germline): Uncertain significance. Review status: criteria provided, multiple submitters, no conflicts (2 of 4 stars). 2 submissions from 2 submitters: Uncertain significance (2). Last evaluated 2025-06-01.

Conditions:
Familial temporal lobe epilepsy 7. Identifiers: Orphanet 101046, MedGen C4225327, MONDO:0014639, OMIM 616436.
Norman-Roberts syndrome (LIS2). Also called: Lissencephaly 2 (Norman-Roberts type). Identifiers: Orphanet 89844, MedGen C0796089, MONDO:0009760, OMIM 257320.

Allele frequency attached by ClinVar (database versions not stated): gnomAD exomes below 0.00001.
gnomAD v4.1: 1 of 1,613,962 alleles (0.000062%); highest among the groups gnomAD compares: Non-Finnish European, 0.000085%; no homozygotes.

Submissions (2):

CeGaT Center for Human Genetics Tuebingen
Classification: Uncertain significance. Last evaluated: 2025-06-01. Review status: criteria provided, single submitter. Criteria: CeGaT Center For Human Genetics Tuebingen Variant Classification Criteria Version 2. Collection method: clinical testing. Allele origin: germline. Affected: yes. Observed: 1 variant allele.
Comment: RELN: PM2

Labcorp Genetics (formerly Invitae), Labcorp
Classification: Uncertain significance for Familial temporal lobe epilepsy 7; Norman-Roberts syndrome. Last evaluated: 2020-12-24. Review status: criteria provided, single submitter. Criteria: Invitae Variant Classification Sherloc (09022015). Collection method: clinical testing. Allele origin: germline.
Comment: This variant is not present in population databases (ExAC no frequency). In summary, the available evidence is currently insufficient to determine the role of this variant in disease. Therefore, it has been classified as a Variant of Uncertain Significance. Algorithms developed to predict the effect of missense changes on protein structure and function are either unavailable or do not agree on the potential impact of this missense change (SIFT: "Deleterious"; PolyPhen-2: "Benign"; Align-GVGD: "Class C0"). This variant has not been reported in the literature in individuals with RELN-related conditions. This sequence change replaces proline with serine at codon 1497 of the RELN protein (p.Pro1497Ser). The proline residue is highly conserved and there is a moderate physicochemical difference between proline and serine.

NM_005045.4(RELN):c.4489C>T (p.Pro1497Ser)

Gene: RELN (reelin; minus strand). Cytogenetic location: 7q22.1.
Variant type: single nucleotide variant.
Coding change: c.4489C>T on transcript NM_005045.4 (MANE Select); coding-DNA position 4489, C replaced by T.
Protein change: p.Pro1497Ser; replaces proline 1497 with serine.
Molecular consequence: missense variant.
Genome position (GRCh38, 1-based): chr7:103,574,114, G>A on the plus strand (C>T on the coding strand, the complement: RELN is on the minus strand). VCF-style: chr7-103574114-G-A. GRCh37 (hg19) VCF-style: chr7-103214561-G-A.
Other names: c.4489C>T, p.Pro1497Ser (NM_173054.3); short protein forms P1497S.
Identifiers: ClinVar variation 1441321 (VCV001441321.16), dbSNP rs2117205011, ClinGen allele CA368750263.